The following is an entry in ClinVar:

NM_018076.5(ODAD2):c.2942G>A (p.Arg981Gln)

Gene: ODAD2 (outer dynein arm docking complex subunit 2; minus strand). Cytogenetic location: 10p12.1.
Variant type: single nucleotide variant.
Coding change: c.2942G>A on transcript NM_018076.5 (MANE Select); coding-DNA position 2942, G replaced by A.
Protein change: p.Arg981Gln; replaces arginine 981 with glutamine.
Molecular consequence: missense variant.
Genome position (GRCh38, 1-based): chr10:27,860,704, C>T on the plus strand (G>A on the coding strand, the complement: ODAD2 is on the minus strand). VCF-style: chr10-27860704-C-T. GRCh37 (hg19) VCF-style: chr10-28149633-C-T.
Other names: c.2942G>A, p.Arg981Gln (NM_001290020.2); c.1517G>A, p.Arg506Gln (NM_001290021.2); c.2018G>A, p.Arg673Gln (NM_001312689.2); c.2942G>A (NM_018076.2); short protein forms R506Q, R673Q, R981Q.
Identifiers: ClinVar variation 1681341 (VCV001681341.10), dbSNP rs139741736, ClinGen allele CA5453059.

ClinVar aggregate classification (germline): Uncertain significance. Review status: criteria provided, multiple submitters, no conflicts (2 of 4 stars). 4 submissions from 4 submitters: Uncertain significance (4). Last evaluated 2025-09-12.

Conditions:
Primary ciliary dyskinesia 23 (CILD23). Also called: CILIARY DYSKINESIA, PRIMARY, 23, WITH OR WITHOUT SITUS INVERSUS. Identifiers: Orphanet 244, MedGen C3809548, MONDO:0014193, OMIM 615451.
Primary ciliary dyskinesia. Also called: Ciliary dyskinesia. Identifiers: Orphanet 244, MedGen C0008780, MONDO:0016575, HP:0012265.

Allele frequency attached by ClinVar (database versions not stated): 1000 Genomes Project 0.00020; 1000 Genomes Project 30x 0.00031.

Submissions (4):

Ambry Genetics
Classification: Uncertain significance for Primary ciliary dyskinesia. Last evaluated: 2025-09-12. Review status: criteria provided, single submitter. Criteria: Ambry Variant Classification Scheme 2023. Collection method: clinical testing. Allele origin: germline.
Comment: The p.R981Q variant (also known as c.2942G>A), located in coding exon 18 of the ARMC4 gene, results from a G to A substitution at nucleotide position 2942. The arginine at codon 981 is replaced by glutamine, an amino acid with highly similar properties. This amino acid position is conserved. In addition, the in silico prediction for this alteration is inconclusive. Based on the available evidence, the clinical significance of this variant remains unclear.

Blueprint Genetics
Classification: Uncertain significance. Last evaluated: 2024-10-03. Review status: criteria provided, single submitter. Criteria: ACMG Guidelines, 2015. Collection method: clinical testing. Allele origin: germline.

Clinical Genetics Laboratory, Skane University Hospital Lund
Classification: Uncertain significance. Last evaluated: 2023-05-22. Review status: criteria provided, single submitter. Criteria: ACMG Guidelines, 2015. Collection method: clinical testing. Allele origin: germline. Affected: yes.

Labcorp Genetics (formerly Invitae), Labcorp
Classification: Uncertain significance for Primary ciliary dyskinesia 23. Last evaluated: 2021-08-27. Review status: criteria provided, single submitter. Criteria: Invitae Variant Classification Sherloc (09022015). Collection method: clinical testing. Allele origin: germline.
Comment: This sequence change replaces arginine with glutamine at codon 981 of the ARMC4 protein (p.Arg981Gln). The arginine residue is highly conserved and there is a small physicochemical difference between arginine and glutamine. This variant is present in population databases (rs139741736, ExAC 0.02%). This variant has not been reported in the literature in individuals affected with ARMC4-related conditions. Algorithms developed to predict the effect of missense changes on protein structure and function output the following: SIFT: "Tolerated"; PolyPhen-2: "Benign"; Align-GVGD: "Class C0". The glutamine amino acid residue is found in multiple mammalian species, which suggests that this missense change does not adversely affect protein function. Algorithms developed to predict the effect of sequence changes on RNA splicing suggest that this variant may create or strengthen a splice site. In summary, the available evidence is currently insufficient to determine the role of this variant in disease. Therefore, it has been classified as a Variant of Uncertain Significance.